The following is an entry in ClinVar:

NM_001261826.3(AP3D1):c.2540_2541del (p.Lys847fs)

Gene: AP3D1 (adaptor related protein complex 3 subunit delta 1; minus strand). Cytogenetic location: 19p13.3.
Variant type: Deletion.
Coding change: c.2540_2541del on transcript NM_001261826.3 (MANE Select); coding-DNA positions 2540 to 2541, 2 bases deleted (AA; older notation c.2540_2541delAA).
Protein change: p.Lys847fs; shifts the reading frame from lysine 847.
Molecular consequence: frameshift variant.
Genome position (GRCh38, 1-based): chr19:2,114,185-2,114,186, TT deleted on the plus strand (AA on the coding strand, the reverse complement: AP3D1 is on the minus strand); deleting any 2 consecutive bases within chr19:2,114,185-2,114,187 gives the same sequence; the c. name uses the placement nearest the transcript's 3' end. VCF-style (leftmost placement, unchanged base first): chr19-2114184-CTT-C. GRCh37 (hg19) VCF-style: chr19-2114183-CTT-C.
Other names: c.2540_2541del, p.Lys847fs (NM_001374799.1, NM_003938.8); short protein forms K847fs.
Identifiers: ClinVar variation 3652704 (VCV003652704.2).
Genomic context (GRCh38, chr19:2,114,184, plus strand): 5'-CCTTCTTCTCCTTCTCCTTCTTCTTCTCCTTGTCTCTCTCTTTCTCTTTGTGTTTTTTCT[CTT>C]TCTTCTTGGGTTTCTTGCTCTTCTTTTCTACCATGGGAACGTCCTTCTCAGGGGATTTTG-3'

ClinVar aggregate classification (germline): Uncertain significance (1 of 4 stars; one submission).

Submission:

Labcorp Genetics (formerly Invitae), Labcorp
Classification: Uncertain significance. Last evaluated: 2024-05-26. Review status: criteria provided, single submitter. Criteria: Invitae Variant Classification Sherloc (09022015). Collection method: clinical testing. Allele origin: germline.
Comment: This sequence change creates a premature translational stop signal (p.Lys847Argfs*22) in the AP3D1 gene. It is expected to result in an absent or disrupted protein product. However, the current clinical and genetic evidence is not sufficient to establish whether loss-of-function variants in AP3D1 cause disease. This variant is not present in population databases (gnomAD no frequency). This variant has not been reported in the literature in individuals affected with AP3D1-related conditions. In summary, the available evidence is currently insufficient to determine the role of this variant in disease. Therefore, it has been classified as a Variant of Uncertain Significance.